The following is an entry in ClinVar:

NM_170606.3(KMT2C):c.11789C>T (p.Ala3930Val)

Gene: KMT2C (lysine methyltransferase 2C; minus strand). Cytogenetic location: 7q36.1.
Variant type: single nucleotide variant.
Coding change: c.11789C>T on transcript NM_170606.3 (MANE Select); coding-DNA position 11789, C replaced by T.
Protein change: p.Ala3930Val; replaces alanine 3930 with valine.
Molecular consequence: missense variant.
Genome position (GRCh38, 1-based): chr7:152,156,228, G>A on the plus strand (C>T on the coding strand, the complement: KMT2C is on the minus strand). VCF-style: chr7-152156228-G-A. GRCh37 (hg19) VCF-style: chr7-151853313-G-A.
Other names: short protein forms A3930V.
Identifiers: ClinVar variation 3900422 (VCV003900422.1).

ClinVar aggregate classification (germline): Uncertain significance (1 of 4 stars; one submission).

gnomAD v4.1: 1 of 1,614,106 alleles (0.000062%); highest among the groups gnomAD compares: Admixed American, 0.0017%; no homozygotes.

Submission:

GeneDx
Classification: Uncertain significance. Last evaluated: 2024-11-20. Review status: criteria provided, single submitter. Criteria: GeneDx Variant Classification Process June 2021. Collection method: clinical testing. Allele origin: germline. Affected: yes.
Comment: Not observed at significant frequency in large population cohorts (gnomAD); In silico analysis supports that this missense variant has a deleterious effect on protein structure/function; Has not been previously published as pathogenic or benign to our knowledge